The following is an entry in ClinVar:

NM_005032.7(PLS3):c.985_987+6delinsG

Gene: PLS3 (plastin 3; plus strand). Cytogenetic location: Xq23.
Variant type: Indel.
Coding change: c.985_987+6delinsG on transcript NM_005032.7 (MANE Select); coding-DNA position 985 through 6 bases into the intron after coding-DNA position 987, AATGTAAGT replaced by G.
Molecular consequence: splice donor variant.
Genome position (GRCh38, 1-based): chrX:115,640,501-115,640,509, AATGTAAGT replaced by G. VCF-style: chrX-115640501-AATGTAAGT-G. GRCh37 (hg19) VCF-style: chrX-114874813-AATGTAAGT-G.
Other names: c.946_948+6delinsG (NM_001282337.2); c.985_987+6delinsG (NM_001440791.1, NM_001440792.1, NM_001136025.5); c.850_852+6delinsG (NM_001282338.2); c.904_906+6delinsG (NM_001172335.3).
Identifiers: ClinVar variation 4085997 (VCV004085997.8).

ClinVar aggregate classification (germline): Pathogenic (1 of 4 stars; one submission).

Submission:

CeGaT Center for Human Genetics Tuebingen
Classification: Pathogenic. Last evaluated: 2025-12-01. Review status: criteria provided, single submitter. Criteria: CeGaT Center For Human Genetics Tuebingen Variant Classification Criteria Version 2. Collection method: clinical testing. Allele origin: germline. Affected: yes. Observed: 2 variant alleles.
Comment: PLS3: PVS1, PM2